The following is an entry in ClinVar:

NM_152564.5(VPS13B):c.463A>G (p.Ile155Val)

Gene: VPS13B (vacuolar protein sorting 13 homolog B; plus strand). Cytogenetic location: 8q22.2.
Variant type: single nucleotide variant.
Coding change: c.463A>G on transcript NM_152564.5 (MANE Select); coding-DNA position 463, A replaced by G.
Protein change: p.Ile155Val; replaces isoleucine 155 with valine.
Molecular consequence: missense variant. On other transcripts: non-coding transcript variant (1).
Genome position (GRCh38, 1-based): chr8:99,103,003, A>G. VCF-style: chr8-99103003-A-G. GRCh37 (hg19) VCF-style: chr8-100115231-A-G.
Other names: p.Ile155Val; c.463A>G, p.Ile155Val (NM_015243.3, NM_017890.5, NM_181661.3); short protein forms I155V.
Identifiers: ClinVar variation 4063239 (VCV004063239.2).

ClinVar aggregate classification (germline): Uncertain significance. Review status: criteria provided, single submitter (1 of 4 stars). 2 submissions from 2 submitters: Uncertain significance (1). 1 of the submissions does not count toward it. Last evaluated 2025-10-23.

Conditions:
Cohen syndrome (COH1). Also called: PEPPER SYNDROME; Cutis verticis gyrata, retinitis pigmentosa, and sensorineural deafness. Identifiers: Orphanet 193, MedGen C0265223, MONDO:0008999, OMIM 216550.

Submissions (2):

Mayo Clinic Laboratories, Mayo Clinic
Classification: Uncertain significance. Last evaluated: 2025-10-23. Review status: criteria provided, single submitter. Criteria: ACMG Guidelines, 2015. Collection method: clinical testing. Allele origin: germline. Observed: 1 variant allele.
Comment: BP4_moderate, PM2_supporting

Natera, Inc.
Classification: Uncertain significance for Cohen syndrome. Last evaluated: 2025-01-30. Review status: no assertion criteria provided. Collection method: clinical testing. Allele origin: germline. Not counted in ClinVar's aggregate classification.